The following is an entry in ClinVar:

ClinVar aggregate classification (germline): Pathogenic (1 of 4 stars; one submission).

Submission:

GeneDx
Classification: Pathogenic. Last evaluated: 2020-09-28. Review status: criteria provided, single submitter. Criteria: GeneDx Variant Classification Process June 2021. Collection method: clinical testing. Allele origin: germline. Affected: yes.
Comment: Has not been previously published as pathogenic or benign to our knowledge; Frameshift variant predicted to result in protein truncation or nonsense mediated decay in a gene for which loss-of-function is a known mechanism of disease; Not observed in large population cohorts (Lek et al., 2016)

NM_025074.7(FRAS1):c.2791del (p.Val931fs)

Gene: FRAS1 (Fraser extracellular matrix complex subunit 1; plus strand). Cytogenetic location: 4q21.21.
Variant type: Deletion.
Coding change: c.2791del on transcript NM_025074.7 (MANE Select); coding-DNA position 2791, one base deleted (G; older notation c.2791delG).
Protein change: p.Val931fs; shifts the reading frame from valine 931.
Molecular consequence: frameshift variant.
Genome position (GRCh38, 1-based): chr4:78,369,906, G deleted; the last of 2 consecutive G bases (chr4:78,369,905-78,369,906); deleting either gives the same sequence. VCF-style (leftmost placement, unchanged base first): chr4-78369904-AG-A. GRCh37 (hg19) VCF-style: chr4-79291058-AG-A.
Other names: c.2791delG (NM_025074.6); c.2791del, p.Val931fs (NM_001166133.2); short protein forms V931fs.
Identifiers: ClinVar variation 817271 (VCV000817271.2), dbSNP rs1578279277, ClinGen allele CA915943077.